The following is an entry in ClinVar:

NM_147127.5(EVC2):c.3306AGA[1] (p.Glu1103del)

Gene: EVC2 (EvC ciliary complex subunit 2; minus strand). Cytogenetic location: 4p16.2.
Variant type: Microsatellite.
Coding change: c.3306AGA[1] on transcript NM_147127.5 (MANE Select); one copy of the 3-base unit AGA starting at c.3306; the reference has two copies in a row; one copy, 3 bases deleted.
Protein change: p.Glu1103del; deletes glutamic acid 1103.
Molecular consequence: inframe deletion.
Genome position (GRCh38, 1-based): chr4:5,574,734-5,574,736, TCT deleted on the plus strand (AGA on the coding strand, the reverse complement: EVC2 is on the minus strand); deleting any 3 consecutive bases within chr4:5,574,734-5,574,739 gives the same sequence; the position shown is the placement nearest the transcript's 3' end. VCF-style (leftmost placement, unchanged base first): chr4-5574733-GTCT-G. GRCh37 (hg19) VCF-style: chr4-5576460-GTCT-G.
Other names: c.3066AGA[1], p.Glu1023del (NM_001166136.2); short protein forms E1023del, E1103del.
Identifiers: ClinVar variation 5004289 (VCV005004289.1).

ClinVar aggregate classification (germline): Uncertain significance (1 of 4 stars; one submission).

Conditions:
Ellis-van Creveld syndrome (EVC). Also called: Chondroectodermal dysplasia; MESOECTODERMAL DYSPLASIA. Identifiers: Orphanet 289, MedGen C0013903, MONDO:0009162, OMIM 225500.

Submission:

Myriad Genetics, Inc.
Classification: Uncertain significance for Ellis-van Creveld syndrome. Last evaluated: 2025-11-18. Review status: criteria provided, single submitter. Criteria: Myriad Autosomal Dominant, Autosomal Recessive and X-Linked Classification Criteria (2023). Collection method: clinical testing. Allele origin: unknown.
Comment: NM_147127.4(EVC2):c.3309_3311delAGA(E1103del) is an in-frame deletion classified as a variant of uncertain significance in the context of EVC2-related Ellis-van Creveld syndrome. E1103del has not been observed in cases with relevant disease. Relevant functional assessments of this variant are not available in the literature. E1103del has not been observed in referenced population frequency databases. In summary, there is insufficient evidence to classify NM_147127.4(EVC2):c.3309_3311delAGA(E1103del) as pathogenic or benign. Please note: this variant was assessed in the context of healthy population screening.